The following is an entry in ClinVar:

ClinVar aggregate classification (germline): Uncertain significance (1 of 4 stars; one submission).

Conditions:
Hypertrophic cardiomyopathy. Also called: HYPERTROPHIC MYOCARDIOPATHY. Identifiers: Orphanet 217569, MedGen C0007194, MeSH D002312, MONDO:0005045, HP:0001639.

gnomAD v4.1: 9 of 1,611,752 alleles (0.00056%); highest among the groups gnomAD compares: Non-Finnish European, 0.00076%; no homozygotes.

Submission:

Labcorp Genetics (formerly Invitae), Labcorp
Classification: Uncertain significance for Hypertrophic cardiomyopathy. Last evaluated: 2025-05-07. Review status: criteria provided, single submitter. Criteria: Invitae Variant Classification Sherloc (09022015). Collection method: clinical testing. Allele origin: germline.
Comment: This sequence change replaces lysine, which is basic and polar, with asparagine, which is neutral and polar, at codon 1060 of the MYOM1 protein (p.Lys1060Asn). This variant is not present in population databases (gnomAD no frequency). This variant has not been reported in the literature in individuals affected with MYOM1-related conditions. ClinVar contains an entry for this variant (Variation ID: 2161911). Invitae Evidence Modeling of protein sequence and biophysical properties (such as structural, functional, and spatial information, amino acid conservation, physicochemical variation, residue mobility, and thermodynamic stability) indicates that this missense variant is not expected to disrupt MYOM1 protein function with a negative predictive value of 80%. In summary, the available evidence is currently insufficient to determine the role of this variant in disease. Therefore, it has been classified as a Variant of Uncertain Significance.

NM_003803.4(MYOM1):c.3180G>C (p.Lys1060Asn)

Gene: MYOM1 (myomesin 1; minus strand). Cytogenetic location: 18p11.31.
Variant type: single nucleotide variant.
Coding change: c.3180G>C on transcript NM_003803.4 (MANE Select); coding-DNA position 3180, G replaced by C.
Protein change: p.Lys1060Asn; replaces lysine 1060 with asparagine.
Molecular consequence: missense variant.
Genome position (GRCh38, 1-based): chr18:3,116,454, C>G on the plus strand (G>C on the coding strand, the complement: MYOM1 is on the minus strand). VCF-style: chr18-3116454-C-G. GRCh37 (hg19) VCF-style: chr18-3116452-C-G.
Other names: c.2892G>C, p.Lys964Asn (NM_019856.2); short protein forms K1060N, K964N.
Identifiers: ClinVar variation 2161911 (VCV002161911.4), dbSNP rs2510590209, ClinGen allele CA401705917.